The following is an entry in ClinVar:

ClinVar aggregate classification (germline): Uncertain significance. Review status: criteria provided, multiple submitters, no conflicts (2 of 4 stars). 2 submissions from 2 submitters: Uncertain significance (2). Last evaluated 2025-12-18.

Conditions:
Inborn genetic diseases. Identifiers: MedGen C0950123, MeSH D030342.
Microphthalmia, isolated, with coloboma 6 (MCOPCB6). Also called: Microphthalmia with coloboma 6, digenic; Microphthalmia with coloboma 6; MICROPHTHALMIA/COLOBOMA 6. Identifiers: Orphanet 98938, MedGen C3150968, MONDO:0013376, OMIM 613703.
Klippel-Feil syndrome 1, autosomal dominant (KFS1). Also called: CERVICAL VERTEBRAL FUSION, AUTOSOMAL DOMINANT. Identifiers: Orphanet 2345, MedGen C1861689, MONDO:0007306, OMIM 118100.
Isolated microphthalmia 4. Identifiers: Orphanet 2542, MedGen C2751307, MONDO:0013130, OMIM 613094.
Leber congenital amaurosis 17 (LCA17). Identifiers: Orphanet 65, MedGen C3715164, MONDO:0014145, OMIM 615360.

Allele frequency attached by ClinVar (database versions not stated): gnomAD exomes 0.00003; TOPMed below 0.00001; ExAC 0.00003.
gnomAD v4.1: 10 of 1,519,528 alleles (0.00066%); highest among the groups gnomAD compares: East Asian, 0.015%; no homozygotes.

Submissions (2):

Labcorp Genetics (formerly Invitae), Labcorp
Classification: Uncertain significance for Isolated microphthalmia 4; Leber congenital amaurosis 17; Klippel-Feil syndrome 1, autosomal dominant; Microphthalmia, isolated, with coloboma 6. Last evaluated: 2025-12-18. Review status: criteria provided, single submitter. Criteria: Invitae Variant Classification Sherloc (09022015). Collection method: clinical testing. Allele origin: germline.
Comment: This sequence change replaces arginine, which is basic and polar, with glutamine, which is neutral and polar, at codon 270 of the GDF6 protein (p.Arg270Gln). The frequency data for this variant in the population databases is considered unreliable, as metrics indicate poor data quality at this position in the gnomAD database. This variant has not been reported in the literature in individuals affected with GDF6-related conditions. ClinVar contains an entry for this variant (Variation ID: 1470166). Invitae Evidence Modeling of protein sequence and biophysical properties (such as structural, functional, and spatial information, amino acid conservation, physicochemical variation, residue mobility, and thermodynamic stability) indicates that this missense variant is not expected to disrupt GDF6 protein function with a negative predictive value of 80%. In summary, the available evidence is currently insufficient to determine the role of this variant in disease. Therefore, it has been classified as a Variant of Uncertain Significance.

Ambry Genetics
Classification: Uncertain significance for Inborn genetic diseases. Last evaluated: 2025-10-07. Review status: criteria provided, single submitter. Criteria: Ambry Variant Classification Scheme 2023. Collection method: clinical testing. Allele origin: germline.

NM_001001557.4(GDF6):c.809G>A (p.Arg270Gln)

Gene: GDF6 (growth differentiation factor 6; minus strand). Cytogenetic location: 8q22.1.
Variant type: single nucleotide variant.
Coding change: c.809G>A on transcript NM_001001557.4 (MANE Select); coding-DNA position 809, G replaced by A.
Protein change: p.Arg270Gln; replaces arginine 270 with glutamine.
Molecular consequence: missense variant.
Genome position (GRCh38, 1-based): chr8:96,145,122, C>T on the plus strand (G>A on the coding strand, the complement: GDF6 is on the minus strand). VCF-style: chr8-96145122-C-T. GRCh37 (hg19) VCF-style: chr8-97157350-C-T.
Other names: c.809G>A (NM_001001557.2); short protein forms R270Q.
Identifiers: ClinVar variation 1470166 (VCV001470166.9), dbSNP rs781155701, ClinGen allele CA4815407.
Genomic context (GRCh38, chr8:96,145,122, plus strand): 5'-AACAGGTTCTTGCGCTGGGATCTGGTGAATACCACCAGCAGGGCCCGCTCCTGGGGAGGC[C>T]GCACCCTCCGGCCGAAGCCCAGACTCCGCAGGTCCGGGGGCGGCGGTTGCTGGGGTCCCC-3'
Protein context (NP_001001557.1, residues 260-280): LRSLGFGRRV[Arg270Gln]PPQERALLVV